The following is an entry in ClinVar:

ClinVar aggregate classification (germline): Uncertain significance (1 of 4 stars; one submission).

Conditions:
RFT1-congenital disorder of glycosylation (CDG1N). Also called: Congenital disorder of glycosylation type In; RFT1-CDG; CDG In. Identifiers: Orphanet 244310, MedGen C2677590, MONDO:0012783, OMIM 612015.

Allele frequency attached by ClinVar (database versions not stated): gnomAD exomes below 0.00001.
gnomAD v4.1: 1 of 1,613,476 alleles (0.000062%); highest among the groups gnomAD compares: Non-Finnish European, 0.000085%; no homozygotes.

Submission:

Labcorp Genetics (formerly Invitae), Labcorp
Classification: Uncertain significance for RFT1-congenital disorder of glycosylation. Last evaluated: 2022-02-12. Review status: criteria provided, single submitter. Criteria: Invitae Variant Classification Sherloc (09022015). Collection method: clinical testing. Allele origin: germline.
Comment: This sequence change affects a donor splice site in intron 9 of the RFT1 gene. It is expected to disrupt RNA splicing. Variants that disrupt the donor or acceptor splice site typically lead to a loss of protein function (PMID: 16199547), however the current clinical and genetic evidence is not sufficient to establish whether loss-of-function variants in RFT1 cause disease. This variant is not present in population databases (gnomAD no frequency). This variant has not been reported in the literature in individuals affected with RFT1-related conditions. Algorithms developed to predict the effect of sequence changes on RNA splicing suggest that this variant may disrupt the consensus splice site. In summary, the available evidence is currently insufficient to determine the role of this variant in disease. Therefore, it has been classified as a Variant of Uncertain Significance.

Literature cited by the submitters: PubMed 16199547.

NM_052859.4(RFT1):c.957+1G>A

Gene: RFT1 (RFT1 glycolipid translocator homolog; minus strand). Cytogenetic location: 3p21.1.
Variant type: single nucleotide variant.
Coding change: c.957+1G>A on transcript NM_052859.4 (MANE Select); the canonical splice donor site of the intron after coding-DNA position 957, G replaced by A.
Molecular consequence: splice donor variant.
Genome position (GRCh38, 1-based): chr3:53,105,672, C>T on the plus strand (G>A on the coding strand, the complement: RFT1 is on the minus strand). VCF-style: chr3-53105672-C-T. GRCh37 (hg19) VCF-style: chr3-53139688-C-T.
Identifiers: ClinVar variation 1975206 (VCV001975206.5), dbSNP rs2470967401, ClinGen allele CA353229392.